The following is an entry in ClinVar:

NM_018076.5(ODAD2):c.1730G>T (p.Gly577Val)

Gene: ODAD2 (outer dynein arm docking complex subunit 2; minus strand). Cytogenetic location: 10p12.1.
Variant type: single nucleotide variant.
Coding change: c.1730G>T on transcript NM_018076.5 (MANE Select); coding-DNA position 1730, G replaced by T.
Protein change: p.Gly577Val; replaces glycine 577 with valine.
Molecular consequence: missense variant.
Genome position (GRCh38, 1-based): chr10:27,944,235, C>A on the plus strand (G>T on the coding strand, the complement: ODAD2 is on the minus strand). VCF-style: chr10-27944235-C-A. GRCh37 (hg19) VCF-style: chr10-28233164-C-A.
Other names: c.1730G>T, p.Gly577Val (NM_001290020.2); c.305G>T, p.Gly102Val (NM_001290021.2); c.806G>T, p.Gly269Val (NM_001312689.2); c.1730G>T (NM_018076.4, NM_018076.2); short protein forms G102V, G269V, G577V.
Identifiers: ClinVar variation 1681370 (VCV001681370.9), dbSNP rs763869311, ClinGen allele CA5453441.

ClinVar aggregate classification (germline): Uncertain significance. Review status: criteria provided, multiple submitters, no conflicts (2 of 4 stars). 3 submissions from 3 submitters: Uncertain significance (3). Last evaluated 2025-12-16.

Conditions:
Primary ciliary dyskinesia 23 (CILD23). Also called: CILIARY DYSKINESIA, PRIMARY, 23, WITH OR WITHOUT SITUS INVERSUS. Identifiers: Orphanet 244, MedGen C3809548, MONDO:0014193, OMIM 615451.
Primary ciliary dyskinesia. Also called: Ciliary dyskinesia. Identifiers: Orphanet 244, MedGen C0008780, MONDO:0016575, HP:0012265.
ODAD2-related disorder. Also called: ODAD2-related condition.

Allele frequency attached by ClinVar (database versions not stated): ExAC 0.00001; gnomAD 0.00003 and 0.00004; TOPMed 0.00003.
gnomAD v4.1: 21 of 1,611,962 alleles (0.0013%); highest among the groups gnomAD compares: South Asian, 0.0022%; no homozygotes.

Submissions (3):

Ambry Genetics
Classification: Uncertain significance for Primary ciliary dyskinesia. Last evaluated: 2025-12-16. Review status: criteria provided, single submitter. Criteria: Ambry Variant Classification Scheme 2023. Collection method: clinical testing. Allele origin: germline.

PreventionGenetics, part of Exact Sciences
Classification: Uncertain significance for ODAD2-related condition. Last evaluated: 2023-09-25. Review status: criteria provided, single submitter. Criteria: ACMG Guidelines, 2015. Collection method: clinical testing. Allele origin: germline.
Comment: The ODAD2 c.1730G>T variant is predicted to result in the amino acid substitution p.Gly577Val. To our knowledge, this variant has not been reported in the literature. This variant is reported in 0.0040% of alleles in individuals of African descent in gnomAD. At this time, the clinical significance of this variant is uncertain due to the absence of conclusive functional and genetic evidence.

Labcorp Genetics (formerly Invitae), Labcorp
Classification: Uncertain significance for Primary ciliary dyskinesia 23. Last evaluated: 2022-07-05. Review status: criteria provided, single submitter. Criteria: Invitae Variant Classification Sherloc (09022015). Collection method: clinical testing. Allele origin: germline.
Comment: This sequence change replaces glycine, which is neutral and non-polar, with valine, which is neutral and non-polar, at codon 577 of the ARMC4 protein (p.Gly577Val). This variant is present in population databases (rs763869311, gnomAD 0.004%). This variant has not been reported in the literature in individuals affected with ARMC4-related conditions. ClinVar contains an entry for this variant (Variation ID: 1681370). Algorithms developed to predict the effect of missense changes on protein structure and function are either unavailable or do not agree on the potential impact of this missense change (SIFT: "Deleterious"; PolyPhen-2: "Probably Damaging"; Align-GVGD: "Class C0"). In summary, the available evidence is currently insufficient to determine the role of this variant in disease. Therefore, it has been classified as a Variant of Uncertain Significance.